The following is an entry in ClinVar:

NM_002968.3(SALL1):c.1948G>A (p.Gly650Ser)

Gene: SALL1 (spalt like transcription factor 1; minus strand). Cytogenetic location: 16q12.1.
Variant type: single nucleotide variant.
Coding change: c.1948G>A on transcript NM_002968.3 (MANE Select); coding-DNA position 1948, G replaced by A.
Protein change: p.Gly650Ser; replaces glycine 650 with serine.
Molecular consequence: missense variant.
Genome position (GRCh38, 1-based): chr16:51,140,274, C>T on the plus strand (G>A on the coding strand, the complement: SALL1 is on the minus strand). VCF-style: chr16-51140274-C-T. GRCh37 (hg19) VCF-style: chr16-51174185-C-T.
Other names: c.1657G>A, p.Gly553Ser (NM_001127892.2); short protein forms G553S, G650S.
Identifiers: ClinVar variation 2103167 (VCV002103167.28), dbSNP rs775639714, ClinGen allele CA8053193.
Genomic context (GRCh38, chr16:51,140,274, plus strand): 5'-ACTGCTCGGACATGAGCGGCAACAAAGGGTTGGTGAAGGTGGTGGCACTGCCCGCGGGGC[C>T]GCAGTCTGCCGCTGGGGAGCTCAGGACGCTACTGCTCGCCGTCGGGACTGAGTTGGTGAC-3'
Protein context (NP_002959.2, residues 640-660): SVLSSPAADC[Gly650Ser]PAGSATTFTN

ClinVar aggregate classification (germline): Conflicting classifications of pathogenicity. Review status: criteria provided, conflicting classifications (1 of 4 stars). 3 submissions from 3 submitters: Uncertain significance (2); Likely benign (1). Last evaluated 2025-08-05.

Conditions:
Townes syndrome (TBS). Also called: Townes-Brocks syndrome. Identifiers: Orphanet 857, MedGen C0265246, MeSH C536974, MONDO:0007142.
Inborn genetic diseases. Identifiers: MedGen C0950123, MeSH D030342.

Allele frequency attached by ClinVar (database versions not stated): gnomAD 0.00001; gnomAD exomes 0.00001; TOPMed 0.00002; ExAC 0.00003.
gnomAD v4.1: 19 of 1,614,000 alleles (0.0012%); highest among the groups gnomAD compares: Admixed American, 0.02%; no homozygotes.

Submissions (3):

Ambry Genetics
Classification: Uncertain significance for Inborn genetic diseases. Last evaluated: 2025-08-05. Review status: criteria provided, single submitter. Criteria: Ambry Variant Classification Scheme 2023. Collection method: clinical testing. Allele origin: germline.

CeGaT Center for Human Genetics Tuebingen
Classification: Likely benign. Last evaluated: 2023-07-01. Review status: criteria provided, single submitter. Criteria: CeGaT Center For Human Genetics Tuebingen Variant Classification Criteria Version 2. Collection method: clinical testing. Allele origin: germline. Affected: yes. Observed: 1 variant allele.
Comment: SALL1: BP4

Labcorp Genetics (formerly Invitae), Labcorp
Classification: Uncertain significance for Townes syndrome. Last evaluated: 2022-07-13. Review status: criteria provided, single submitter. Criteria: Invitae Variant Classification Sherloc (09022015). Collection method: clinical testing. Allele origin: germline.
Comment: In summary, the available evidence is currently insufficient to determine the role of this variant in disease. Therefore, it has been classified as a Variant of Uncertain Significance. Algorithms developed to predict the effect of missense changes on protein structure and function output the following: SIFT: "Tolerated"; PolyPhen-2: "Benign"; Align-GVGD: "Class C0". The serine amino acid residue is found in multiple mammalian species, which suggests that this missense change does not adversely affect protein function. This variant has not been reported in the literature in individuals affected with SALL1-related conditions. This variant is present in population databases (rs775639714, gnomAD 0.03%). This sequence change replaces glycine, which is neutral and non-polar, with serine, which is neutral and polar, at codon 650 of the SALL1 protein (p.Gly650Ser).